The following is an entry in ClinVar:

ClinVar aggregate classification (germline): Uncertain significance (1 of 4 stars; one submission).

Submission:

Ambry Genetics
Classification: Uncertain significance. Last evaluated: 2020-06-22. Review status: criteria provided, single submitter. Criteria: Ambry Variant Classification Scheme 2023. Collection method: clinical testing. Allele origin: germline.
Comment: The p.K952T variant (also known as c.2855A>C), located in coding exon 25 of the IKBKAP gene, results from an A to C substitution at nucleotide position 2855. The lysine at codon 952 is replaced by threonine, an amino acid with similar properties. This amino acid position is well conserved in available vertebrate species. In addition, this alteration is predicted to be tolerated by in silico analysis. Since supporting evidence is limited at this time, the clinical significance of this alteration remains unclear.

NM_003640.5(ELP1):c.2855A>C (p.Lys952Thr)

Gene: ELP1 (elongator acetyltransferase complex subunit 1; minus strand). Cytogenetic location: 9q31.3.
Variant type: single nucleotide variant.
Coding change: c.2855A>C on transcript NM_003640.5 (MANE Select); coding-DNA position 2855, A replaced by C.
Protein change: p.Lys952Thr; replaces lysine 952 with threonine.
Molecular consequence: missense variant.
Genome position (GRCh38, 1-based): chr9:108,893,948, T>G on the plus strand (A>C on the coding strand, the complement: ELP1 is on the minus strand). VCF-style: chr9-108893948-T-G. GRCh37 (hg19) VCF-style: chr9-111656228-T-G.
Other names: c.2513A>C, p.Lys838Thr (NM_001318360.2); c.1808A>C, p.Lys603Thr (NM_001330749.2); short protein forms K603T, K838T, K952T.
Identifiers: ClinVar variation 1799968 (VCV001799968.2), dbSNP rs2230798, ClinGen allele CA374418728.